The following is an entry in ClinVar:

NM_022168.4(IFIH1):c.683C>T (p.Thr228Ile)

Gene: IFIH1 (interferon induced with helicase C domain 1; minus strand). Cytogenetic location: 2q24.2.
Variant type: single nucleotide variant.
Coding change: c.683C>T on transcript NM_022168.4 (MANE Select); coding-DNA position 683, C replaced by T.
Protein change: p.Thr228Ile; replaces threonine 228 with isoleucine.
Molecular consequence: missense variant.
Genome position (GRCh38, 1-based): chr2:162,306,795, G>A on the plus strand (C>T on the coding strand, the complement: IFIH1 is on the minus strand). VCF-style: chr2-162306795-G-A. GRCh37 (hg19) VCF-style: chr2-163163305-G-A.
Other names: short protein forms T228I.
Identifiers: ClinVar variation 1386573 (VCV001386573.8), dbSNP rs746288754, ClinGen allele CA1934743.
Genomic context (GRCh38, chr2:162,306,795, plus strand): 5'-GATGATTCTGATGAGTTATTCTCCATGCCCCAGACCTCCTTCTCCAGATTTGGCTGAACT[G>A]TGGTTGAAAGAAGTTGCTCTTCCACTTGAGGACCATCAACTTGTGATAAATTCTCAATCT-3'
Protein context (NP_071451.2, residues 218-238): PQVEEQLLST[Thr228Ile]VQPNLEKEVW

ClinVar aggregate classification (germline): Uncertain significance (1 of 4 stars; one submission).

Conditions:
Singleton-Merten syndrome 1 (SGMRT1). Also called: Widened medullary cavities of bone, aortic calcification, abnormal dentition, and muscular weakness; Syndrome of widened medullary cavities of the metacarpals and phalanges, aortic calcification and abnormal dentition. Identifiers: Orphanet 85191, MedGen C4225427, MONDO:0024535, OMIM 182250.
Aicardi-Goutieres syndrome 7 (AGS7). Identifiers: Orphanet 51, MedGen C3888244, MONDO:0014367, OMIM 615846.

Allele frequency attached by ClinVar (database versions not stated): ExAC 0.00001; gnomAD exomes 0.00001.
gnomAD v4.1: 3 of 1,613,886 alleles (0.00019%); highest among the groups gnomAD compares: South Asian, 0.0011%; no homozygotes.

Submission:

Labcorp Genetics (formerly Invitae), Labcorp
Classification: Uncertain significance for Aicardi-Goutieres syndrome 7; Singleton-Merten syndrome 1. Last evaluated: 2022-10-17. Review status: criteria provided, single submitter. Criteria: Invitae Variant Classification Sherloc (09022015). Collection method: clinical testing. Allele origin: germline.
Comment: In summary, the available evidence is currently insufficient to determine the role of this variant in disease. Therefore, it has been classified as a Variant of Uncertain Significance. Algorithms developed to predict the effect of missense changes on protein structure and function output the following: SIFT: "Tolerated"; PolyPhen-2: "Benign"; Align-GVGD: "Class C0". The isoleucine amino acid residue is found in multiple mammalian species, which suggests that this missense change does not adversely affect protein function. ClinVar contains an entry for this variant (Variation ID: 1386573). This variant has not been reported in the literature in individuals affected with IFIH1-related conditions. This variant is present in population databases (rs746288754, gnomAD 0.002%). This sequence change replaces threonine, which is neutral and polar, with isoleucine, which is neutral and non-polar, at codon 228 of the IFIH1 protein (p.Thr228Ile).